The following is an entry in ClinVar:

NM_004360.5(CDH1):c.1537C>A (p.Pro513Thr)

Gene: CDH1 (cadherin 1; plus strand). Cytogenetic location: 16q22.1.
Variant type: single nucleotide variant.
Coding change: c.1537C>A on transcript NM_004360.5 (MANE Select); coding-DNA position 1537, C replaced by A.
Protein change: p.Pro513Thr; replaces proline 513 with threonine.
Molecular consequence: missense variant. On other transcripts: 5 prime UTR variant (2).
Genome position (GRCh38, 1-based): chr16:68,815,731, C>A. VCF-style: chr16-68815731-C-A. GRCh37 (hg19) VCF-style: chr16-68849634-C-A.
Other names: c.-283C>A (NM_001317186.2); c.1354C>A, p.Pro452Thr (NM_001317184.2); c.-12C>A (NM_001317185.2); short protein forms P452T, P513T.
Identifiers: ClinVar variation 3700207 (VCV003700207.3).

ClinVar aggregate classification (germline): Uncertain significance. Review status: criteria provided, multiple submitters, no conflicts (2 of 4 stars). 2 submissions from 2 submitters: Uncertain significance (2). Last evaluated 2025-11-19.

Conditions:
Hereditary diffuse gastric adenocarcinoma (HDGC). Also called: DIFFUSE GASTRIC AND LOBULAR BREAST CANCER SYNDROME. Identifiers: Orphanet 26106, MedGen C1708349, MONDO:0007648, OMIM 137215.
Hereditary cancer-predisposing syndrome. Also called: Hereditary Cancer Syndrome; Neoplastic Syndromes, Hereditary; Tumor predisposition; Hereditary neoplastic syndrome. Identifiers: Orphanet 140162, MedGen C0027672, MeSH D009386, MONDO:0015356.

Submissions (2):

Ambry Genetics
Classification: Uncertain significance for Hereditary cancer-predisposing syndrome. Last evaluated: 2025-11-19. Review status: criteria provided, single submitter. Criteria: Ambry Variant Classification Scheme 2023. Collection method: clinical testing. Allele origin: germline.
Comment: The p.P513T variant (also known as c.1537C>A), located in coding exon 10 of the CDH1 gene, results from a C to A substitution at nucleotide position 1537. The proline at codon 513 is replaced by threonine, an amino acid with highly similar properties. This amino acid position is conserved. In addition, this alteration is predicted to be deleterious by in silico analysis. Based on the available evidence, the clinical significance of this variant remains unclear.

Labcorp Genetics (formerly Invitae), Labcorp
Classification: Uncertain significance for Hereditary diffuse gastric adenocarcinoma. Last evaluated: 2024-06-11. Review status: criteria provided, single submitter. Criteria: Invitae Variant Classification Sherloc (09022015). Collection method: clinical testing. Allele origin: germline.
Comment: This sequence change replaces proline, which is neutral and non-polar, with threonine, which is neutral and polar, at codon 513 of the CDH1 protein (p.Pro513Thr). This variant is not present in population databases (gnomAD no frequency). This variant has not been reported in the literature in individuals affected with CDH1-related conditions. An algorithm developed to predict the effect of missense changes on protein structure and function (PolyPhen-2) suggests that this variant is likely to be disruptive. In summary, the available evidence is currently insufficient to determine the role of this variant in disease. Therefore, it has been classified as a Variant of Uncertain Significance.